The following is an entry in ClinVar:

NM_001042492.3(NF1):c.5457C>T (p.Ala1819=)

Gene: NF1 (neurofibromin 1; plus strand). Cytogenetic location: 17q11.2.
Variant type: single nucleotide variant.
Coding change: c.5457C>T on transcript NM_001042492.3 (MANE Select); coding-DNA position 5457, C replaced by T.
Protein change: p.Ala1819=; no amino-acid change (alanine 1819 retained).
Molecular consequence: synonymous variant.
Genome position (GRCh38, 1-based): chr17:31,327,687, C>T. VCF-style: chr17-31327687-C-T. GRCh37 (hg19) VCF-style: chr17-29654705-C-T.
Other names: c.5394C>T, p.Ala1798= (NM_000267.4).
Identifiers: ClinVar variation 1143685 (VCV001143685.11), dbSNP rs2069381058, ClinGen allele CA499446099.

ClinVar aggregate classification (germline): Conflicting classifications of pathogenicity. Review status: criteria provided, conflicting classifications (1 of 4 stars). 4 submissions from 4 submitters: Uncertain significance (1); Benign (1); Likely benign (2). Last evaluated 2026-05-20.

Conditions:
Neurofibromatosis, type 1 (NF1). Also called: Peripheral type neurofibromatosis; NEUROFIBROMATOSIS, TYPE I, SOMATIC; VON RECKLINGHAUSEN DISEASE; Neurofibromatosis, type I. Identifiers: Orphanet 636, MedGen C0027831, MONDO:0018975, OMIM 162200. Disease mechanism: loss of function.
Cardiovascular phenotype. Identifiers: MedGen CN230736.
Hereditary cancer-predisposing syndrome. Also called: Neoplastic Syndromes, Hereditary; Tumor predisposition; Hereditary Cancer Syndrome; Hereditary neoplastic syndrome. Identifiers: Orphanet 140162, MedGen C0027672, MeSH D009386, MONDO:0015356.

Allele frequency attached by ClinVar (database versions not stated): TOPMed below 0.00001; gnomAD exomes below 0.00001.
gnomAD v4.1: 3 of 1,614,136 alleles (0.00019%); highest among the groups gnomAD compares: Non-Finnish European, 0.00025%; no homozygotes.

Submissions (4):

Myriad Genetics, Inc.
Classification: Benign for Neurofibromatosis, type 1. Last evaluated: 2026-05-20. Review status: criteria provided, single submitter. Criteria: Myriad Autosomal Dominant, Autosomal Recessive and X-Linked Classification Criteria (2023). Collection method: clinical testing. Allele origin: unknown.
Comment: This variant is considered benign. This variant is a silent/synonymous amino acid change and it is not expected to impact splicing.

Labcorp Genetics (formerly Invitae), Labcorp
Classification: Likely benign for Neurofibromatosis, type 1. Last evaluated: 2025-07-30. Review status: criteria provided, single submitter. Criteria: Invitae Variant Classification Sherloc (09022015). Collection method: clinical testing. Allele origin: germline.

GeneDx
Classification: Uncertain significance. Last evaluated: 2024-06-09. Review status: criteria provided, single submitter. Criteria: GeneDx Variant Classification Process June 2021. Collection method: clinical testing. Allele origin: germline. Affected: yes.
Comment: Not observed at significant frequency in large population cohorts (gnomAD); In silico analysis indicates that this variant does not alter splicing; Has not been previously published as pathogenic or benign to our knowledge

Ambry Genetics
Classification: Likely benign for Cardiovascular phenotype; Hereditary cancer-predisposing syndrome. Last evaluated: 2020-12-15. Review status: criteria provided, single submitter. Criteria: Ambry Variant Classification Scheme 2023. Collection method: clinical testing. Allele origin: germline.